The following is an entry in ClinVar:

NM_000038.6(APC):c.4140C>T (p.Thr1380=)

Gene: APC (APC regulator of Wnt signaling pathway; plus strand). Cytogenetic location: 5q22.2.
Variant type: single nucleotide variant.
Coding change: c.4140C>T on transcript NM_000038.6 (MANE Select); coding-DNA position 4140, C replaced by T.
Protein change: p.Thr1380=; no amino-acid change (threonine 1380 retained).
Molecular consequence: synonymous variant. On other transcripts: non-coding transcript variant (2).
Genome position (GRCh38, 1-based): chr5:112,839,734, C>T. VCF-style: chr5-112839734-C-T. GRCh37 (hg19) VCF-style: chr5-112175431-C-T.
Other names: c.3837C>T, p.Thr1279= (NM_001407460.1, NM_001354903.2, NM_001407458.1 and 1 more transcripts); c.3753C>T, p.Thr1251= (NM_001407467.1, NM_001407469.1); c.3291C>T, p.Thr1097= (NM_001407470.1, NM_001354906.2); c.2988C>T, p.Thr996= (NM_001407471.1, NM_001407472.1); c.4140C>T, p.Thr1380= (NM_001127510.3, NM_001354895.2, NM_001407450.1); c.4086C>T, p.Thr1362= (NM_001127511.3); c.4194C>T, p.Thr1398= (NM_001354896.2, NM_001407447.1, NM_001407448.1 and 1 more transcripts); c.4170C>T, p.Thr1390= (NM_001354897.2); and 11 more.
Identifiers: ClinVar variation 1738164 (VCV001738164.10), dbSNP rs754571230, ClinGen allele CA445964146.

ClinVar aggregate classification (germline): Likely benign. Review status: criteria provided, multiple submitters, no conflicts (2 of 4 stars). 2 submissions from 2 submitters: Likely benign (2). Last evaluated 2025-08-01.

Conditions:
Hereditary cancer-predisposing syndrome. Also called: Hereditary neoplastic syndrome; Tumor predisposition; Neoplastic Syndromes, Hereditary; Hereditary Cancer Syndrome. Identifiers: Orphanet 140162, MedGen C0027672, MeSH D009386, MONDO:0015356.

gnomAD v4.1: 1 of 1,614,016 alleles (0.000062%); highest among the groups gnomAD compares: Non-Finnish European, 0.000085%; no homozygotes.

Submissions (2):

CeGaT Center for Human Genetics Tuebingen
Classification: Likely benign. Last evaluated: 2025-08-01. Review status: criteria provided, single submitter. Criteria: CeGaT Center For Human Genetics Tuebingen Variant Classification Criteria Version 2. Collection method: clinical testing. Allele origin: germline. Affected: yes. Observed: 1 variant allele.
Comment: APC: BP4, BP7

Ambry Genetics
Classification: Likely benign for Hereditary cancer-predisposing syndrome. Last evaluated: 2019-05-26. Review status: criteria provided, single submitter. Criteria: Ambry Variant Classification Scheme 2023. Collection method: clinical testing. Allele origin: germline.